The following is an entry in ClinVar:

ClinVar aggregate classification (germline): Uncertain significance (1 of 4 stars; one submission).

Conditions:
Cardiovascular phenotype. Identifiers: MedGen CN230736.

Allele frequency attached by ClinVar (database versions not stated): gnomAD exomes below 0.00001.
gnomAD v4.1: 1 of 1,614,154 alleles (0.000062%); highest among the groups gnomAD compares: Non-Finnish European, 0.000085%; no homozygotes.

Submission:

Ambry Genetics
Classification: Uncertain significance for Cardiovascular phenotype. Last evaluated: 2024-01-11. Review status: criteria provided, single submitter. Criteria: Ambry Variant Classification Scheme 2023. Collection method: clinical testing. Allele origin: germline.
Comment: The p.D311V variant (also known as c.932A>T), located in coding exon 3 of the PKP2 gene, results from an A to T substitution at nucleotide position 932. The aspartic acid at codon 311 is replaced by valine, an amino acid with highly dissimilar properties. This amino acid position is conserved. In addition, this alteration is predicted to be tolerated by in silico analysis. Since supporting evidence is limited at this time, the clinical significance of this alteration remains unclear.

NM_001005242.3(PKP2):c.932A>T (p.Asp311Val)

Gene: PKP2 (plakophilin 2; minus strand). Cytogenetic location: 12p11.21.
Variant type: single nucleotide variant.
Coding change: c.932A>T on transcript NM_001005242.3 (MANE Select); coding-DNA position 932, A replaced by T.
Protein change: p.Asp311Val; replaces aspartic acid 311 with valine.
Molecular consequence: missense variant.
Genome position (GRCh38, 1-based): chr12:32,877,948, T>A on the plus strand (A>T on the coding strand, the complement: PKP2 is on the minus strand). VCF-style: chr12-32877948-T-A. GRCh37 (hg19) VCF-style: chr12-33030882-T-A.
Other names: c.932A>T, p.Asp311Val (NM_001407155.1, NM_001407156.1, NM_001407157.1 and 2 more transcripts); c.605A>T, p.Asp202Val (NM_001407158.1, NM_001407159.1, NM_001407160.1 and 1 more transcripts); short protein forms D202V, D311V.
Identifiers: ClinVar variation 3224327 (VCV003224327.1), dbSNP rs2541338764, ClinGen allele CA384362000.